The following is an entry in ClinVar:

NM_032242.4(PLXNA1):c.3387C>T (p.Val1129=)

Gene: PLXNA1 (plexin A1; plus strand). Cytogenetic location: 3q21.3.
Variant type: single nucleotide variant.
Coding change: c.3387C>T on transcript NM_032242.4 (MANE Select); coding-DNA position 3387, C replaced by T.
Protein change: p.Val1129=; no amino-acid change (valine 1129 retained).
Molecular consequence: synonymous variant.
Genome position (GRCh38, 1-based): chr3:127,017,535, C>T. VCF-style: chr3-127017535-C-T. GRCh37 (hg19) VCF-style: chr3-126736378-C-T.
Identifiers: ClinVar variation 3358081 (VCV003358081.1).

ClinVar aggregate classification (germline): Likely benign (0 of 4 stars; one submission).

Conditions:
PLXNA1-related disorder. Also called: PLXNA1-related condition.

gnomAD v4.1: 5 of 1,613,742 alleles (0.00031%); highest among the groups gnomAD compares: South Asian, 0.0044%; no homozygotes.

Submission:

PreventionGenetics, part of Exact Sciences
Classification: Likely benign for PLXNA1-related condition. Last evaluated: 2024-08-08. Review status: no assertion criteria provided. Collection method: clinical testing. Allele origin: germline.
Comment: This variant is classified as likely benign based on ACMG/AMP sequence variant interpretation guidelines (Richards et al. 2015 PMID: 25741868, with internal and published modifications).